The following is an entry in ClinVar:

ClinVar aggregate classification (germline): Uncertain significance (1 of 4 stars; one submission).

Conditions:
Hereditary cancer-predisposing syndrome. Also called: Neoplastic Syndromes, Hereditary; Tumor predisposition; Hereditary Cancer Syndrome; Hereditary neoplastic syndrome. Identifiers: Orphanet 140162, MedGen C0027672, MeSH D009386, MONDO:0015356.

Submission:

Ambry Genetics
Classification: Uncertain significance for Hereditary cancer-predisposing syndrome. Last evaluated: 2024-07-02. Review status: criteria provided, single submitter. Criteria: Ambry Variant Classification Scheme 2023. Collection method: clinical testing. Allele origin: germline.
Comment: The p.E61K variant (also known as c.181G>A), located in coding exon 2 of the PRKAR1A gene, results from a G to A substitution at nucleotide position 181. The glutamic acid at codon 61 is replaced by lysine, an amino acid with similar properties. This amino acid position is conserved. In addition, this alteration is predicted to be deleterious by in silico analysis. Based on the available evidence, the clinical significance of this variant remains unclear.

NM_002734.5(PRKAR1A):c.181G>A (p.Glu61Lys)

Gene: PRKAR1A (protein kinase cAMP-dependent type I regulatory subunit alpha; plus strand). Cytogenetic location: 17q24.2.
Variant type: single nucleotide variant.
Coding change: c.181G>A on transcript NM_002734.5 (MANE Select); coding-DNA position 181, G replaced by A.
Protein change: p.Glu61Lys; replaces glutamic acid 61 with lysine.
Molecular consequence: missense variant.
Genome position (GRCh38, 1-based): chr17:68,522,759, G>A. VCF-style: chr17-68522759-G-A. GRCh37 (hg19) VCF-style: chr17-66518900-G-A.
Other names: c.181G>A, p.Glu61Lys (NM_001276289.2, NM_001276290.1, NM_001278433.2 and 4 more transcripts); short protein forms E61K.
Identifiers: ClinVar variation 3425055 (VCV003425055.1).